The following is an entry in ClinVar:

NM_001370658.1(BTD):c.1344C>T (p.Phe448=)

Gene: BTD (biotinidase; plus strand). Cytogenetic location: 3p25.1.
Variant type: single nucleotide variant.
Coding change: c.1344C>T on transcript NM_001370658.1 (MANE Select); coding-DNA position 1344, C replaced by T.
Protein change: p.Phe448=; no amino-acid change (phenylalanine 448 retained).
Molecular consequence: synonymous variant. On other transcripts: intron variant (8).
Genome position (GRCh38, 1-based): chr3:15,645,260, C>T. VCF-style: chr3-15645260-C-T. GRCh37 (hg19) VCF-style: chr3-15686767-C-T.
Other names: c.1344C>T, p.Phe448= (NM_001281723.4, NM_001281724.3, NM_001281725.3 and 16 more transcripts); c.1015+329C>T (NM_001370752.1, NM_001407379.1); c.399+3203C>T (NM_001370753.1, NM_001407400.1, NM_001407380.1 and 3 more transcripts); c.1404C>T, p.Phe468= (NM_000060.4).
Identifiers: ClinVar variation 766098 (VCV000766098.18), dbSNP rs781065270, ClinGen allele CA2277469.

ClinVar aggregate classification (germline): Likely benign. Review status: criteria provided, multiple submitters, no conflicts (2 of 4 stars). 5 submissions from 5 submitters: Likely benign (4). 1 of the submissions does not count toward it. Last evaluated 2026-01-26.

Conditions:
Biotinidase deficiency. Also called: BTD deficiency; Late-onset biotin-responsive multiple carboxylase deficiency; Biotin deficiency. Identifiers: Orphanet 79241, MedGen C0220754, MONDO:0009665, OMIM 253260.
BTD-related disorder. Also called: BTD-related condition.

Allele frequency attached by ClinVar (database versions not stated): gnomAD 0.00007 and 0.00009; ExAC 0.00010; gnomAD exomes 0.00010; TOPMed 0.00013.
gnomAD v4.1: 163 of 1,614,132 alleles (0.01%); highest among the groups gnomAD compares: East Asian, 0.049%; 1 homozygote.

Submissions (5):

Labcorp Genetics (formerly Invitae), Labcorp
Classification: Likely benign for Biotinidase deficiency. Last evaluated: 2026-01-26. Review status: criteria provided, single submitter. Criteria: Invitae Variant Classification Sherloc (09022015). Collection method: clinical testing. Allele origin: germline.

Laboratory of Genetics, Children's Clinical University Hospital Latvia
Classification: Likely benign. Last evaluated: 2025-02-16. Review status: criteria provided, single submitter. Criteria: ACMG Guidelines, 2015. Collection method: clinical testing. Allele origin: germline. Affected: yes.

PreventionGenetics, part of Exact Sciences
Classification: Likely benign for BTD-related condition. Last evaluated: 2025-02-03. Review status: criteria provided, single submitter. Criteria: ACMG Guidelines, 2015. Collection method: clinical testing. Allele origin: germline.
Comment: This variant is classified as likely benign based on ACMG/AMP sequence variant interpretation guidelines (Richards et al. 2015 PMID: 25741868, with internal and published modifications).

Blueprint Genetics
Classification: Likely benign. Last evaluated: 2023-10-18. Review status: criteria provided, single submitter. Criteria: ACMG Guidelines, 2015. Collection method: clinical testing. Allele origin: germline.

Natera, Inc.
Classification: Likely benign for Biotinidase deficiency. Last evaluated: 2020-04-24. Review status: no assertion criteria provided. Collection method: clinical testing. Allele origin: germline. Not counted in ClinVar's aggregate classification.